The following is an entry in ClinVar:

ClinVar aggregate classification (germline): Uncertain significance. Review status: criteria provided, multiple submitters, no conflicts (2 of 4 stars). 2 submissions from 2 submitters: Uncertain significance (2). Last evaluated 2026-08-03.

Conditions:
Familial cold autoinflammatory syndrome 3 (FCAS3). Also called: FAMILIAL ATYPICAL COLD URTICARIA; ANTIBODY DEFICIENCY AND IMMUNE DYSREGULATION, PLCG2-ASSOCIATED. Identifiers: Orphanet 300359, MedGen C3280914, MONDO:0013766, OMIM 614468.

gnomAD v4.1: 12 of 1,613,762 alleles (0.00074%); highest among the groups gnomAD compares: Non-Finnish European, 0.001%; no homozygotes.

Submissions (2):

GeneDx
Classification: Uncertain significance. Last evaluated: 2026-08-03. Review status: criteria provided, single submitter. Criteria: GeneDx Variant Classification Process June 2021. Collection method: clinical testing. Allele origin: germline.
Comment: Reported in a patient with blood cultureproven bacterial sepsis due to Streptococcus pneumoniae in published literature (PMID: 32185379); In silico analysis suggests that this missense variant does not alter protein structure/function; This variant is associated with the following publications: (PMID: 32185379)

Labcorp Genetics (formerly Invitae), Labcorp
Classification: Uncertain significance for Familial cold autoinflammatory syndrome 3. Last evaluated: 2025-04-17. Review status: criteria provided, single submitter. Criteria: Invitae Variant Classification Sherloc (09022015). Collection method: clinical testing. Allele origin: germline.
Comment: This sequence change replaces alanine, which is neutral and non-polar, with glycine, which is neutral and non-polar, at codon 133 of the PLCG2 protein (p.Ala133Gly). This variant is present in population databases (rs61755444, gnomAD 0.004%). This missense change has been observed in individual(s) with clinical features of PLCG2-related conditions (PMID: 32185379). ClinVar contains an entry for this variant (Variation ID: 2982340). An algorithm developed to predict the effect of missense changes on protein structure and function (PolyPhen-2) suggests that this variant is likely to be tolerated. In summary, the available evidence is currently insufficient to determine the role of this variant in disease. Therefore, it has been classified as a Variant of Uncertain Significance.

Literature cited by the submitters: PubMed 32185379 (cited by Labcorp Genetics (formerly Invitae), Labcorp).

NM_002661.5(PLCG2):c.398C>G (p.Ala133Gly)

Gene: PLCG2 (phospholipase C gamma 2; plus strand). Cytogenetic location: 16q23.3.
Variant type: single nucleotide variant.
Coding change: c.398C>G on transcript NM_002661.5 (MANE Select); coding-DNA position 398, C replaced by G.
Protein change: p.Ala133Gly; replaces alanine 133 with glycine.
Molecular consequence: missense variant.
Genome position (GRCh38, 1-based): chr16:81,858,323, C>G. VCF-style: chr16-81858323-C-G. GRCh37 (hg19) VCF-style: chr16-81891928-C-G.
Other names: c.398C>G (NM_002661.4); c.398C>G, p.Ala133Gly (NM_001425749.1, NM_001425750.1, NM_001425751.1); short protein forms A133G.
Identifiers: ClinVar variation 2982340 (VCV002982340.5), dbSNP rs61755444, ClinGen allele CA8193165.